The following is an entry in ClinVar:

NM_206933.4(USH2A):c.7594+5G>A

Gene: USH2A (usherin; minus strand). Cytogenetic location: 1q41.
Variant type: single nucleotide variant.
Coding change: c.7594+5G>A on transcript NM_206933.4 (MANE Select); 5 bases into the intron after coding-DNA position 7594, G replaced by A.
Molecular consequence: intron variant.
Genome position (GRCh38, 1-based): chr1:215,900,070, C>T on the plus strand (G>A on the coding strand, the complement: USH2A is on the minus strand). VCF-style: chr1-215900070-C-T. GRCh37 (hg19) VCF-style: chr1-216073412-C-T.
Identifiers: ClinVar variation 4998534 (VCV004998534.1).

ClinVar aggregate classification (germline): Uncertain significance (1 of 4 stars; one submission).

Conditions:
USH2A-related disorder. Also called: USH2A-related condition; USH2A-related disorders. Identifiers: MedGen CN239332.

gnomAD v4.1: 1 of 1,613,616 alleles (0.000062%); highest among the groups gnomAD compares: Non-Finnish European, 0.000085%; no homozygotes.

Submission:

PreventionGenetics, part of Exact Sciences
Classification: Uncertain significance for USH2A-related condition. Last evaluated: 2025-02-26. Review status: criteria provided, single submitter. Criteria: ACMG Guidelines, 2015. Collection method: clinical testing. Allele origin: germline.
Comment: The USH2A c.7594+5G>A variant is predicted to interfere with splicing. This variant is predicted to weaken the canonical splice donor site (SpliceAI, Jaganathan et al. 2019. PubMed ID: 30661751). To our knowledge, this variant has not been reported in the literature or in a large population database (gnomAD), indicating this variant is rare. Although we suspect that this variant may be pathogenic, at this time, the clinical significance of this variant is uncertain due to the absence of conclusive functional and genetic evidence.